The following is an entry in ClinVar:

NM_016239.4(MYO15A):c.8428G>A (p.Gly2810Ser)

Gene: MYO15A (myosin XVA; plus strand). Cytogenetic location: 17p11.2.
Variant type: single nucleotide variant.
Coding change: c.8428G>A on transcript NM_016239.4 (MANE Select); coding-DNA position 8428, G replaced by A.
Protein change: p.Gly2810Ser; replaces glycine 2810 with serine.
Molecular consequence: missense variant.
Genome position (GRCh38, 1-based): chr17:18,155,401, G>A. VCF-style: chr17-18155401-G-A. GRCh37 (hg19) VCF-style: chr17-18058715-G-A.
Other names: short protein forms G2810S.
Identifiers: ClinVar variation 1693345 (VCV001693345.6), dbSNP rs757713092, ClinGen allele CA8425158.
Genomic context (GRCh38, chr17:18,155,401, plus strand): 5'-CTAGCTGTGTCCCACGTGGGCATCAAACTCCTGAGGATGGTCAAGGGTGGCCAGGAGGCC[G>A]GCGGGCAGCTGCGGGTCCTGCGTGCATACAGGTGACCAGCAGGGGTGAAGTGGGGCTGGC-3'
Protein context (NP_057323.3, residues 2800-2820): LRMVKGGQEA[Gly2810Ser]GQLRVLRAYS

ClinVar aggregate classification (germline): Uncertain significance. Review status: criteria provided, multiple submitters, no conflicts (2 of 4 stars). 2 submissions from 2 submitters: Uncertain significance (2). Last evaluated 2026-02-01.

Allele frequency attached by ClinVar (database versions not stated): gnomAD 0.00001; gnomAD exomes 0.00001 and 0.00003; TOPMed 0.00002; ExAC 0.00003.
gnomAD v4.1: 15 of 1,613,434 alleles (0.00093%); highest among the groups gnomAD compares: East Asian, 0.013%; no homozygotes.

Submissions (2):

CeGaT Center for Human Genetics Tuebingen
Classification: Uncertain significance. Last evaluated: 2026-02-01. Review status: criteria provided, single submitter. Criteria: CeGaT Center For Human Genetics Tuebingen Variant Classification Criteria Version 2. Collection method: clinical testing. Allele origin: germline. Affected: yes. Observed: 1 variant allele.
Comment: MYO15A: PM2:Supporting, BP4

GeneDx
Classification: Uncertain significance. Last evaluated: 2022-06-30. Review status: criteria provided, single submitter. Criteria: GeneDx Variant Classification Process June 2021. Collection method: clinical testing. Allele origin: germline. Affected: yes.
Comment: In silico analysis supports that this missense variant does not alter protein structure/function; Has not been previously published as pathogenic or benign to our knowledge